The following is an entry in ClinVar:

ClinVar aggregate classification (germline): Uncertain significance (1 of 4 stars; one submission).

gnomAD v4.1: 6 of 1,611,912 alleles (0.00037%); highest among the groups gnomAD compares: Non-Finnish European, 0.00051%; no homozygotes.

Submission:

Labcorp Genetics (formerly Invitae), Labcorp
Classification: Uncertain significance. Last evaluated: 2022-06-26. Review status: criteria provided, single submitter. Criteria: Invitae Variant Classification Sherloc (09022015). Collection method: clinical testing. Allele origin: germline.
Comment: Advanced modeling of protein sequence and biophysical properties (such as structural, functional, and spatial information, amino acid conservation, physicochemical variation, residue mobility, and thermodynamic stability) performed at Invitae indicates that this missense variant is not expected to disrupt COL9A1 protein function. This variant has not been reported in the literature in individuals affected with COL9A1-related conditions. This variant is not present in population databases (gnomAD no frequency). This sequence change replaces alanine, which is neutral and non-polar, with valine, which is neutral and non-polar, at codon 680 of the COL9A1 protein (p.Ala680Val). In summary, the available evidence is currently insufficient to determine the role of this variant in disease. Therefore, it has been classified as a Variant of Uncertain Significance.

NM_001851.6(COL9A1):c.2039C>T (p.Ala680Val)

Gene: COL9A1 (collagen type IX alpha 1 chain; minus strand). Cytogenetic location: 6q13.
Variant type: single nucleotide variant.
Coding change: c.2039C>T on transcript NM_001851.6 (MANE Select); coding-DNA position 2039, C replaced by T.
Protein change: p.Ala680Val; replaces alanine 680 with valine.
Molecular consequence: missense variant. On other transcripts: non-coding transcript variant (1).
Genome position (GRCh38, 1-based): chr6:70,240,729, G>A on the plus strand (C>T on the coding strand, the complement: COL9A1 is on the minus strand). VCF-style: chr6-70240729-G-A. GRCh37 (hg19) VCF-style: chr6-70950432-G-A.
Other names: c.1340C>T, p.Ala447Val (NM_001377289.1); c.1310C>T, p.Ala437Val (NM_001377290.1, NM_078485.4); short protein forms A437V, A447V, A680V.
Identifiers: ClinVar variation 2011007 (VCV002011007.2), dbSNP rs1036563613, ClinGen allele CA140858946.